The following is an entry in ClinVar:

NM_003107.3(SOX4):c.182G>A (p.Arg61Gln)

Gene: SOX4 (SRY-box transcription factor 4; plus strand). Cytogenetic location: 6p22.3.
Variant type: single nucleotide variant.
Coding change: c.182G>A on transcript NM_003107.3 (MANE Select); coding-DNA position 182, G replaced by A.
Protein change: p.Arg61Gln; replaces arginine 61 with glutamine.
Molecular consequence: missense variant.
Genome position (GRCh38, 1-based): chr6:21,594,716, G>A. VCF-style: chr6-21594716-G-A. GRCh37 (hg19) VCF-style: chr6-21594947-G-A.
Other names: short protein forms R61Q.
Identifiers: ClinVar variation 987399 (VCV000987399.4), dbSNP rs1763098947, ClinGen allele CA363269602.

ClinVar aggregate classification (germline): Conflicting classifications of pathogenicity. Review status: criteria provided, conflicting classifications (1 of 4 stars). 2 submissions from 2 submitters: Likely pathogenic (1); Uncertain significance (1). Last evaluated 2022-02-07.

Submissions (2):

GeneDx
Classification: Uncertain significance. Last evaluated: 2022-02-07. Review status: criteria provided, single submitter. Criteria: GeneDx Variant Classification Process June 2021. Collection method: clinical testing. Allele origin: germline. Affected: yes.
Comment: Has not been previously published as pathogenic or benign to our knowledge; Not observed at significant frequency in large population cohorts (gnomAD); In silico analysis supports that this missense variant has a deleterious effect on protein structure/function; Variants in candidate genes are classified as variants of uncertain significance in accordance with ACMG guidelines (Richards et al., 2015)

Institute of Medical Genetics and Applied Genomics, University Hospital Tübingen
Classification: Likely pathogenic. Last evaluated: 2020-10-23. Review status: criteria provided, single submitter. Criteria: ACMG Guidelines, 2015. Collection method: clinical testing. Allele origin: germline. Inheritance: Autosomal dominant inheritance. Affected: yes.